The following is an entry in ClinVar:

ClinVar aggregate classification (germline): Uncertain significance (1 of 4 stars; one submission).

Conditions:
Hereditary cancer-predisposing syndrome. Also called: Neoplastic Syndromes, Hereditary; Tumor predisposition; Hereditary Cancer Syndrome; Hereditary neoplastic syndrome. Identifiers: Orphanet 140162, MedGen C0027672, MeSH D009386, MONDO:0015356.

Submission:

Ambry Genetics
Classification: Uncertain significance for Hereditary cancer-predisposing syndrome. Last evaluated: 2026-04-16. Review status: criteria provided, single submitter. Criteria: Ambry Variant Classification Scheme 2023. Collection method: clinical testing. Allele origin: germline.
Comment: The p.P252T variant (also known as c.754C>A), located in coding exon 6 of the PTCH1 gene, results from a C to A substitution at nucleotide position 754. The proline at codon 252 is replaced by threonine, an amino acid with highly similar properties. This amino acid position is conserved. In addition, the in silico prediction for this alteration is inconclusive. Based on the available evidence, the clinical significance of this variant remains unclear.

NM_000264.5(PTCH1):c.754C>A (p.Pro252Thr)

Gene: PTCH1 (patched 1; minus strand). Cytogenetic location: 9q22.32.
Variant type: single nucleotide variant.
Coding change: c.754C>A on transcript NM_000264.5 (MANE Select); coding-DNA position 754, C replaced by A.
Protein change: p.Pro252Thr; replaces proline 252 with threonine.
Molecular consequence: missense variant. On other transcripts: non-coding transcript variant (1).
Genome position (GRCh38, 1-based): chr9:95,480,581, G>T on the plus strand (C>A on the coding strand, the complement: PTCH1 is on the minus strand). VCF-style: chr9-95480581-G-T. GRCh37 (hg19) VCF-style: chr9-98242863-G-T.
Other names: c.556C>A, p.Pro186Thr (NM_001083602.3); c.751C>A, p.Pro251Thr (NM_001083603.3); c.301C>A, p.Pro101Thr (NM_001083604.3, NM_001083605.3, NM_001083606.3 and 1 more transcripts); c.754C>A, p.Pro252Thr (NM_001354918.2); short protein forms P101T, P186T, P251T, P252T.
Identifiers: ClinVar variation 4862670 (VCV004862670.1).